The following is an entry in ClinVar:

ClinVar aggregate classification (germline): Pathogenic. Review status: criteria provided, multiple submitters, no conflicts (2 of 4 stars). 6 submissions from 6 submitters: Pathogenic (6). Last evaluated 2026-07-06.

Conditions:
Breast-ovarian cancer, familial, susceptibility to, 5 (BROVCA5). Identifiers: MedGen C5830615, MONDO:0957530, OMIM 620442.
Hereditary cancer-predisposing syndrome. Also called: Tumor predisposition; Hereditary neoplastic syndrome; Hereditary Cancer Syndrome; Neoplastic Syndromes, Hereditary. Identifiers: Orphanet 140162, MedGen C0027672, MeSH D009386, MONDO:0015356.
Familial cancer of breast. Also called: BREAST CANCER, FAMILIAL; Hereditary breast cancer; hereditary breast carcinoma. Identifiers: Orphanet 227535, MedGen C0346153, MONDO:0016419, OMIM 114480. Disease mechanism: loss of function.

Submissions (6):

KCCC/NGS Laboratory, Kuwait Cancer Control Center
Classification: Pathogenic for Breast-ovarian cancer, familial, susceptibility to, 5. Last evaluated: 2026-07-06. Review status: criteria provided, single submitter. Criteria: ACMG Guidelines, 2015. Collection method: clinical testing. Allele origin: germline. Inheritance: Autosomal dominant inheritance. Affected: yes.
Comment: A known pathogenic mutation was detected in PALB2 gene ( c.347T>A, NM_024675.3).This sequence change creates a premature translational stop signal (p.Leu116*) in the PALB2 gene. It is expected to result in an absent or disrupted protein product. Loss-of-function variants in PALB2 are known to be pathogenic (PMID: 17200668, 17200671, 17200672, 24136930, 25099575). This variant is not present in population databases (gnomAD no frequency). This variant has not been reported in the literature in individuals affected with PALB2-related conditions. ClinVar contains an entry for this variant (Variation ID: 233528). For these reasons, this variant has been classified as Pathogenic.This mutation was confirmed by Sanger sequencing . PALB2 (Partner and Localizer of BRCA2) germline pathogenic variants are associated with substantially increased breast cancer risk and smaller increased risk for pancreatic and ovarian cancer. Germline pathogenic variants in PALB2 are inherited in an autosomal dominant manner. The majority of individuals with a PALB2 pathogenic variant have inherited it from a parent. However, because of incomplete penetrance, variable age of cancer development, cancer risk reduction resulting from prophylactic surgery, or early death, not all individuals with a PALB2 pathogenic variant have a parent affected with cancer.

Ambry Genetics
Classification: Pathogenic for Hereditary cancer-predisposing syndrome. Last evaluated: 2025-10-21. Review status: criteria provided, single submitter. Criteria: Ambry Variant Classification Scheme 2023. Collection method: clinical testing. Allele origin: germline.
Comment: The p.L116* pathogenic mutation (also known as c.347T>A), located in coding exon 4 of the PALB2 gene, results from a T to A substitution at nucleotide position 347. This changes the amino acid from a leucine to a stop codon within coding exon 4. This variant is considered to be rare based on population cohorts in the Genome Aggregation Database (gnomAD). This alteration is expected to result in loss of function by premature protein truncation or nonsense-mediated mRNA decay. As such, this alteration is interpreted as a disease-causing mutation.

Labcorp Genetics (formerly Invitae), Labcorp
Classification: Pathogenic for Familial cancer of breast. Last evaluated: 2025-10-14. Review status: criteria provided, single submitter. Criteria: Invitae Variant Classification Sherloc (09022015). Collection method: clinical testing. Allele origin: germline.
Comment: This sequence change creates a premature translational stop signal (p.Leu116*) in the PALB2 gene. It is expected to result in an absent or disrupted protein product. Loss-of-function variants in PALB2 are known to be pathogenic (PMID: 17200668, 17200671, 17200672, 24136930, 25099575). This variant is not present in population databases (gnomAD no frequency). This variant has not been reported in the literature in individuals affected with PALB2-related conditions. ClinVar contains an entry for this variant (Variation ID: 233528). For these reasons, this variant has been classified as Pathogenic.

GeneDx
Classification: Pathogenic. Last evaluated: 2023-10-09. Review status: criteria provided, single submitter. Criteria: GeneDx Variant Classification Process June 2021. Collection method: clinical testing. Allele origin: germline.
Comment: Nonsense variant predicted to result in protein truncation or nonsense mediated decay in a gene for which loss of function is a known mechanism of disease; Not observed at significant frequency in large population cohorts (gnomAD); Truncating variants in this gene are considered pathogenic by a well-established clinical consortium and/or database; Observed in individuals with a personal or family history consistent with pathogenic variants in this gene (PMID: 32427313); This variant is associated with the following publications: (PMID: 31447099, 32427313)

Myriad Genetics, Inc.
Classification: Pathogenic for Familial cancer of breast. Last evaluated: 2023-09-06. Review status: criteria provided, single submitter. Criteria: Myriad Autosomal Dominant, Autosomal Recessive and X-Linked Classification Criteria (2023). Collection method: clinical testing. Allele origin: unknown.
Comment: This variant is considered pathogenic. This variant creates a termination codon and is predicted to result in premature protein truncation.

Human Genome Sequencing Center Clinical Lab, Baylor College of Medicine
Classification: Pathogenic for Familial cancer of breast. Last evaluated: 2017-07-06. Review status: criteria provided, single submitter. Criteria: ACMG Guidelines, 2015. Collection method: clinical testing. Allele origin: germline.
Comment: This c.347T>A (p.Leu116*) variant in the PALB2 gene has not been observed in our patient cohort but has been reported in ClinVar (SCV000277920.2). This variant is predicted to create a premature stop codon at amino acid 116 of the PALB2 protein. Loss of function variants in the PALB2 gene have been associated with breast cancer susceptibility and pancreatic cancer susceptibility. It is thus classified as a pathogenic variant.

Literature cited by the submitters: PubMed 17200668 (cited by Labcorp Genetics (formerly Invitae), Labcorp); PubMed 17200671 (cited by Labcorp Genetics (formerly Invitae), Labcorp); PubMed 17200672 (cited by Labcorp Genetics (formerly Invitae), Labcorp); PubMed 24136930 (cited by Labcorp Genetics (formerly Invitae), Labcorp); PubMed 25099575 (cited by Labcorp Genetics (formerly Invitae), Labcorp).

NM_024675.4(PALB2):c.347T>A (p.Leu116Ter)

Gene: PALB2 (partner and localizer of BRCA2; minus strand). Cytogenetic location: 16p12.2.
Variant type: single nucleotide variant.
Coding change: c.347T>A on transcript NM_024675.4 (MANE Select); coding-DNA position 347, T replaced by A.
Protein change: p.Leu116Ter; replaces leucine 116 with a stop codon.
Molecular consequence: nonsense.
Genome position (GRCh38, 1-based): chr16:23,636,199, A>T on the plus strand (T>A on the coding strand, the complement: PALB2 is on the minus strand). VCF-style: chr16-23636199-A-T. GRCh37 (hg19) VCF-style: chr16-23647520-A-T.
Other names: short protein forms L116*.
Identifiers: ClinVar variation 233528 (VCV000233528.19), dbSNP rs876660465, ClinGen allele CA10580044.